The following is an entry in ClinVar:

ClinVar aggregate classification (germline): Conflicting classifications of pathogenicity. Review status: criteria provided, conflicting classifications (1 of 4 stars). 2 submissions from 2 submitters: Uncertain significance (1); Likely benign (1). Last evaluated 2026-01-24.

Conditions:
Inborn genetic diseases. Identifiers: MedGen C0950123, MeSH D030342.
Hypermethioninemia with deficiency of S-adenosylhomocysteine hydrolase. Identifiers: Orphanet 88618, MedGen C3151058, MONDO:0013404, OMIM 613752.

Allele frequency attached by ClinVar (database versions not stated): gnomAD exomes 0.00003; ExAC 0.00004; TOPMed 0.00005; gnomAD 0.00006; ESP Exome Variant Server 0.00015.

Submissions (2):

Labcorp Genetics (formerly Invitae), Labcorp
Classification: Likely benign for Hypermethioninemia with deficiency of S-adenosylhomocysteine hydrolase. Last evaluated: 2026-01-24. Review status: criteria provided, single submitter. Criteria: Invitae Variant Classification Sherloc (09022015). Collection method: clinical testing. Allele origin: germline.

Ambry Genetics
Classification: Uncertain significance for Inborn genetic diseases. Last evaluated: 2022-10-18. Review status: criteria provided, single submitter. Criteria: Ambry Variant Classification Scheme 2023. Collection method: clinical testing. Allele origin: germline.
Comment: The c.29-5C>T intronic alteration consists of a C to T substitution 5 nucleotides before exon 2 of the AHCY gene. Based on insufficient or conflicting evidence, the clinical significance of this alteration remains unclear.

NM_000687.4(AHCY):c.29-5C>T

Gene: AHCY (adenosylhomocysteinase; minus strand). Cytogenetic location: 20q11.22.
Variant type: single nucleotide variant.
Coding change: c.29-5C>T on transcript NM_000687.4 (MANE Select); 5 bases into the intron before coding-DNA position 29, C replaced by T.
Molecular consequence: intron variant.
Genome position (GRCh38, 1-based): chr20:34,295,590, G>A on the plus strand (C>T on the coding strand, the complement: AHCY is on the minus strand). VCF-style: chr20-34295590-G-A. GRCh37 (hg19) VCF-style: chr20-32883396-G-A.
Other names: c.-56-5C>T (NM_001161766.2, NM_001322085.2, NM_001322084.2); c.29-5C>T (NM_001362750.2, NM_000687.2); c.35-5C>T (NM_001322086.2).
Identifiers: ClinVar variation 724125 (VCV000724125.9), dbSNP rs375669228, ClinGen allele CA9821159.